The following is an entry in ClinVar:

NM_001195263.2(PDZD7):c.2440A>T (p.Lys814Ter)

Gene: PDZD7 (PDZ domain containing 7; minus strand). Cytogenetic location: 10q24.31.
Variant type: single nucleotide variant.
Coding change: c.2440A>T on transcript NM_001195263.2 (MANE Select); coding-DNA position 2440, A replaced by T.
Protein change: p.Lys814Ter; replaces lysine 814 with a stop codon.
Molecular consequence: nonsense.
Genome position (GRCh38, 1-based): chr10:101,010,449, T>A on the plus strand (A>T on the coding strand, the complement: PDZD7 is on the minus strand). VCF-style: chr10-101010449-T-A. GRCh37 (hg19) VCF-style: chr10-102770206-T-A.
Other names: short protein forms K814*.
Identifiers: ClinVar variation 1439598 (VCV001439598.6), dbSNP rs1852354094, ClinGen allele CA378224188.
Genomic context (GRCh38, chr10:101,010,449, plus strand): 5'-CCACCTTGGCTGCCTCCCCATCCAGAGGTCGTGGCAGAGGGGGTCTGGCCTTCCGAGGCT[T>A]GTGGTAGCGCCCATTGGTCATGCTGGGGGCAGGGGTAGGCACCGGGGATGGGGAGCGTCT-3'

ClinVar aggregate classification (germline): Pathogenic (1 of 4 stars; one submission).

Allele frequency attached by ClinVar (database versions not stated): gnomAD 0.00001.
gnomAD v4.1: 3 of 1,535,812 alleles (0.0002%); highest among the groups gnomAD compares: South Asian, 0.0036%; no homozygotes.

Submission:

Labcorp Genetics (formerly Invitae), Labcorp
Classification: Pathogenic. Last evaluated: 2022-08-09. Review status: criteria provided, single submitter. Criteria: Invitae Variant Classification Sherloc (09022015). Collection method: clinical testing. Allele origin: germline.
Comment: For these reasons, this variant has been classified as Pathogenic. Algorithms developed to predict the effect of sequence changes on RNA splicing suggest that this variant may create or strengthen a splice site. ClinVar contains an entry for this variant (Variation ID: 1439598). This variant has not been reported in the literature in individuals affected with PDZD7-related conditions. This variant is not present in population databases (gnomAD no frequency). This sequence change creates a premature translational stop signal (p.Lys814*) in the PDZD7 gene. It is expected to result in an absent or disrupted protein product. Loss-of-function variants in PDZD7 are known to be pathogenic (PMID: 20440071).

Literature cited by the submitters: PubMed 20440071.